The following is an entry in ClinVar:

ClinVar aggregate classification (germline): Likely pathogenic (1 of 4 stars; one submission).

Submission:

CeGaT Center for Human Genetics Tuebingen
Classification: Likely pathogenic. Last evaluated: 2025-02-01. Review status: criteria provided, single submitter. Criteria: CeGaT Center For Human Genetics Tuebingen Variant Classification Criteria Version 2. Collection method: clinical testing. Allele origin: germline. Affected: yes. Observed: 1 variant allele.
Comment: ZBTB7A: PVS1:Strong, PM2, PS2:Supporting

NM_015898.4(ZBTB7A):c.169C>T (p.Gln57Ter)

Gene: ZBTB7A (zinc finger and BTB domain containing 7A; minus strand). Cytogenetic location: 19p13.3.
Variant type: single nucleotide variant.
Coding change: c.169C>T on transcript NM_015898.4 (MANE Select); coding-DNA position 169, C replaced by T.
Protein change: p.Gln57Ter; replaces glutamine 57 with a stop codon.
Molecular consequence: nonsense.
Genome position (GRCh38, 1-based): chr19:4,055,064, G>A on the plus strand (C>T on the coding strand, the complement: ZBTB7A is on the minus strand). VCF-style: chr19-4055064-G-A. GRCh37 (hg19) VCF-style: chr19-4055062-G-A.
Other names: c.169C>T, p.Gln57Ter (NM_001317990.2); short protein forms Q57*.
Identifiers: ClinVar variation 3771807 (VCV003771807.13).